The following is an entry in ClinVar:

NM_021224.6(ZNF462):c.3741C>T (p.Cys1247=)

Gene: ZNF462 (zinc finger protein 462; plus strand). Cytogenetic location: 9q31.2.
Variant type: single nucleotide variant.
Coding change: c.3741C>T on transcript NM_021224.6 (MANE Select); coding-DNA position 3741, C replaced by T.
Protein change: p.Cys1247=; no amino-acid change (cysteine 1247 retained).
Molecular consequence: synonymous variant. On other transcripts: intron variant (1).
Genome position (GRCh38, 1-based): chr9:106,927,653, C>T. VCF-style: chr9-106927653-C-T. GRCh37 (hg19) VCF-style: chr9-109689934-C-T.
Other names: c.3252+489C>T (NM_001347997.2).
Identifiers: ClinVar variation 4873578 (VCV004873578.2).

ClinVar aggregate classification (germline): Likely benign (1 of 4 stars; one submission).

gnomAD v4.1: 131 of 1,613,934 alleles (0.0081%); highest among the groups gnomAD compares: South Asian, 0.034%; no homozygotes.

Submission:

CeGaT Center for Human Genetics Tuebingen
Classification: Likely benign. Last evaluated: 2026-06-01. Review status: criteria provided, single submitter. Criteria: CeGaT Center For Human Genetics Tuebingen Variant Classification Criteria Version 2. Collection method: clinical testing. Allele origin: germline. Affected: yes. Observed: 1 variant allele.
Comment: ZNF462: BP4, BP7